The following is an entry in ClinVar:

ClinVar aggregate classification (germline): Pathogenic. Review status: criteria provided, multiple submitters, no conflicts (2 of 4 stars). 4 submissions from 3 submitters: Pathogenic (4). Last evaluated 2023-06-06.

Conditions:
Hereditary cancer-predisposing syndrome. Also called: Hereditary neoplastic syndrome; Neoplastic Syndromes, Hereditary; Tumor predisposition; Hereditary Cancer Syndrome. Identifiers: Orphanet 140162, MedGen C0027672, MeSH D009386, MONDO:0015356.
Familial cancer of breast. Also called: Hereditary breast cancer; hereditary breast carcinoma; BREAST CANCER, FAMILIAL. Identifiers: Orphanet 227535, MedGen C0346153, MONDO:0016419, OMIM 114480. Disease mechanism: loss of function.
Fanconi anemia complementation group J. Also called: BRIP1-Related Fanconi Anemia. Identifiers: Orphanet 84, MedGen C1836860, MONDO:0012187, OMIM 609054.

Submissions (4):

Myriad Genetics, Inc.
Classification: Pathogenic for Familial cancer of breast. Last evaluated: 2023-06-06. Review status: criteria provided, single submitter. Criteria: Myriad Autosomal Dominant, Autosomal Recessive and X-Linked Classification Criteria (2023). Collection method: clinical testing. Allele origin: unknown.
Comment: This variant is considered pathogenic. This variant creates a frameshift predicted to result in premature protein truncation.

Ambry Genetics
Classification: Pathogenic for Hereditary cancer-predisposing syndrome. Last evaluated: 2021-03-11. Review status: criteria provided, single submitter. Criteria: Ambry Variant Classification Scheme 2023. Collection method: clinical testing. Allele origin: germline.
Comment: The c.2085dupG pathogenic mutation, located in coding exon 13 of the BRIP1 gene, results from a duplication of G at nucleotide position 2085, causing a translational frameshift with a predicted alternate stop codon (p.P696Afs*21). This alteration is expected to result in loss of function by premature protein truncation or nonsense-mediated mRNA decay. As such, this alteration is interpreted as a disease-causing mutation.

Labcorp Genetics (formerly Invitae), Labcorp
Classification: Pathogenic for Familial cancer of breast; Fanconi anemia complementation group J. Last evaluated: 2020-02-19. Review status: criteria provided, single submitter. Criteria: Invitae Variant Classification Sherloc (09022015). Collection method: clinical testing. Allele origin: germline.
Comment: This sequence change inserts 1 nucleotide in exon 14 of the BRIP1 mRNA (c.2085dupG), causing a frameshift at codon 696. This creates a premature translational stop signal (p.Pro696Alafs*21) and is expected to result in an absent or disrupted protein product. For these reasons, this variant has been classified as Pathogenic. While this particular variant has not been reported in the literature, loss-of-function variants in BRIP1 are known to be pathogenic (PMID: 16116423, 17033622, 21964575).

Labcorp Genetics (formerly Invitae), Labcorp
Classification: Pathogenic for Familial cancer of breast. Last evaluated: 2017-01-16. Review status: criteria provided, single submitter. Criteria: Invitae Variant Classification Sherloc (09022015). Collection method: clinical testing. Allele origin: germline.
Comment: This sequence change inserts 1 nucleotide in exon 14 of the BRIP1 mRNA (c.2085dupG), causing a frameshift at codon 696. This creates a premature translational stop signal (p.Pro696Alafs*21) and is expected to result in an absent or disrupted protein product. While this particular variant has not been reported in the literature, loss-of-function variants in BRIP1 are known to be pathogenic (PMID: 16116423, 17033622, 21964575). For these reasons, this variant has been classified as Pathogenic.

Literature cited by the submitters: PubMed 16116423 (cited by Labcorp Genetics (formerly Invitae), Labcorp); PubMed 17033622 (cited by Labcorp Genetics (formerly Invitae), Labcorp); PubMed 21964575 (cited by Labcorp Genetics (formerly Invitae), Labcorp).

NM_032043.3(BRIP1):c.2085dup (p.Pro696fs)

Gene: BRIP1 (BRCA1 interacting DNA helicase 1; minus strand). Cytogenetic location: 17q23.2.
Variant type: Duplication.
Coding change: c.2085dup on transcript NM_032043.3 (MANE Select); coding-DNA position 2085, one base duplicated (G; older notation c.2085dupG).
Protein change: p.Pro696fs; shifts the reading frame from proline 696.
Molecular consequence: frameshift variant.
Genome position (GRCh38, 1-based): chr17:61,776,413, C duplicated on the plus strand (G on the coding strand, the reverse complement: BRIP1 is on the minus strand). VCF-style (leftmost placement, unchanged base first): chr17-61776412-G-GC. GRCh37 (hg19) VCF-style: chr17-59853773-G-GC.
Other names: c.2085dupG (NM_032043.2); short protein forms P696fs.
Identifiers: ClinVar variation 407860 (VCV000407860.13), dbSNP rs1060501772, ClinGen allele CA16615811.